The following is an entry in ClinVar:

ClinVar aggregate classification (germline): Uncertain significance (1 of 4 stars; one submission).

Conditions:
Hereditary cancer-predisposing syndrome. Also called: Hereditary neoplastic syndrome; Neoplastic Syndromes, Hereditary; Tumor predisposition; Hereditary Cancer Syndrome. Identifiers: Orphanet 140162, MedGen C0027672, MeSH D009386, MONDO:0015356.

Submission:

Ambry Genetics
Classification: Uncertain significance for Hereditary cancer-predisposing syndrome. Last evaluated: 2025-01-08. Review status: criteria provided, single submitter. Criteria: Ambry Variant Classification Scheme 2023. Collection method: clinical testing. Allele origin: germline.
Comment: The p.V199A variant (also known as c.596T>C), located in coding exon 8 of the BRCA1 gene, results from a T to C substitution at nucleotide position 596. The valine at codon 199 is replaced by alanine, an amino acid with similar properties. This amino acid position is not well conserved in available vertebrate species. In addition, this alteration is predicted to be deleterious by in silico analysis. Based on the available evidence, the clinical significance of this variant remains unclear.

NM_007294.4(BRCA1):c.596T>C (p.Val199Ala)

Gene: BRCA1 (BRCA1 DNA repair associated; minus strand). Cytogenetic location: 17q21.31.
Variant type: single nucleotide variant.
Coding change: c.596T>C on transcript NM_007294.4 (MANE Select); coding-DNA position 596, T replaced by C.
Protein change: p.Val199Ala; replaces valine 199 with alanine.
Molecular consequence: missense variant. On other transcripts: intron variant (115).
Genome position (GRCh38, 1-based): chr17:43,095,920, A>G on the plus strand (T>C on the coding strand, the complement: BRCA1 is on the minus strand). VCF-style: chr17-43095920-A-G. GRCh37 (hg19) VCF-style: chr17-41247937-A-G.
Other names: c.548-1060T>C (NM_001408440.1, NM_001408428.1, NM_001407678.1 and 34 more transcripts); c.383T>C, p.Val128Ala (NM_001407571.1, NM_001407916.1, NM_001407917.1 and 12 more transcripts); c.596T>C, p.Val199Ala (NM_001407581.1, NM_001407582.1, NM_001407583.1 and 58 more transcripts); c.335-1060T>C (NM_001407956.1, NM_001408509.1, NM_001408508.1 and 3 more transcripts); c.545-1060T>C (NM_001408447.1, NM_001408433.1, NM_001407690.1 and 20 more transcripts); c.338-1060T>C (NM_001407947.1, NM_001407957.1, NM_001407953.1 and 7 more transcripts); c.593T>C, p.Val198Ala (NM_001407587.1, NM_001407591.1, NM_001407590.1 and 41 more transcripts); c.455T>C, p.Val152Ala (NM_001407942.1, NM_001407944.1, NM_001407945.1 and 43 more transcripts); and 17 more; short protein forms V129A, V151A, V152A, V154A, V199A, V128A, V172A, V173A.
Identifiers: ClinVar variation 3825284 (VCV003825284.1).